The following is an entry in ClinVar:

NM_181861.2(APAF1):c.1409C>T (p.Pro470Leu)

Gene: APAF1 (apoptotic peptidase activating factor 1; plus strand). Cytogenetic location: 12q23.1.
Variant type: single nucleotide variant.
Coding change: c.1409C>T on transcript NM_181861.2 (MANE Select); coding-DNA position 1409, C replaced by T.
Protein change: p.Pro470Leu; replaces proline 470 with leucine.
Molecular consequence: missense variant. On other transcripts: intron variant (1).
Genome position (GRCh38, 1-based): chr12:98,667,559, C>T. VCF-style: chr12-98667559-C-T. GRCh37 (hg19) VCF-style: chr12-99061337-C-T.
Other names: c.1376C>T, p.Pro459Leu (NM_001160.3, NM_013229.3); c.1409C>T, p.Pro470Leu (NM_181868.2); c.955+4753C>T (NM_181869.2); short protein forms P459L, P470L.
Identifiers: ClinVar variation 2643227 (VCV002643227.24), dbSNP rs145393515, ClinGen allele CA6733989.
Genomic context (GRCh38, chr12:98,667,559, plus strand): 5'-TCATTGGGTTGCAGGATCTACATAAGAAGATAATCACTCAGTTTCAGAGATATCACCAGC[C>T]GCATACTCTTTCACCAGATCAGGAAGACTGTATGTATTGGTACAACTTTCTGGCCTATCA-3'
Protein context (NP_863651.1, residues 460-480): IITQFQRYHQ[Pro470Leu]HTLSPDQEDC

ClinVar aggregate classification (germline): Likely benign (1 of 4 stars; one submission).

Allele frequency attached by ClinVar (database versions not stated): gnomAD exomes 0.00007; ExAC 0.00022; gnomAD 0.00046; TOPMed 0.00048; ESP Exome Variant Server 0.00062; 1000 Genomes Project 30x 0.00109; 1000 Genomes Project 0.00120.
gnomAD v4.1: 186 of 1,613,948 alleles (0.012%); highest among the groups gnomAD compares: African/African-American, 0.17%; 1 homozygote.

Submission:

CeGaT Center for Human Genetics Tuebingen
Classification: Likely benign. Last evaluated: 2022-04-01. Review status: criteria provided, single submitter. Criteria: CeGaT Center For Human Genetics Tuebingen Variant Classification Criteria Version 2. Collection method: clinical testing. Allele origin: germline. Affected: yes. Observed: 1 variant allele.
Comment: APAF1: BP4